The following is an entry in ClinVar:

ClinVar aggregate classification (germline): Pathogenic (1 of 4 stars; one submission).

Submission:

CeGaT Center for Human Genetics Tuebingen
Classification: Pathogenic. Last evaluated: 2024-05-01. Review status: criteria provided, single submitter. Criteria: CeGaT Center For Human Genetics Tuebingen Variant Classification Criteria Version 2. Collection method: clinical testing. Allele origin: germline. Affected: yes. Observed: 1 variant allele.
Comment: CAPN3: PVS1, PM2, PM3

NM_000070.3(CAPN3):c.2092dup (p.Arg698fs)

Gene: CAPN3 (calpain 3; plus strand). Cytogenetic location: 15q15.1.
Variant type: Duplication.
Coding change: c.2092dup on transcript NM_000070.3 (MANE Select); coding-DNA position 2092, one base duplicated (C; older notation c.2092dupC).
Protein change: p.Arg698fs; shifts the reading frame from arginine 698.
Molecular consequence: frameshift variant.
Genome position (GRCh38, 1-based): chr15:42,409,972, C duplicated; the last of 2 consecutive C bases (chr15:42,409,971-42,409,972); duplicating either gives the same sequence. VCF-style (leftmost placement, unchanged base first): chr15-42409970-G-GC. GRCh37 (hg19) VCF-style: chr15-42702168-G-GC.
Other names: c.2074dup, p.Arg692fs (NM_024344.2); c.1816dup, p.Arg606fs (NM_173087.2); c.556dup, p.Arg186fs (NM_173088.2); c.97dup, p.Arg33fs (NM_173089.2, NM_173090.2); c.*1190dup (NM_212464.2); c.*1767dup (NM_212467.2); short protein forms R186fs, R33fs, R606fs, R692fs, R698fs.
Identifiers: ClinVar variation 3239533 (VCV003239533.19), dbSNP rs2548291702.